The following is an entry in ClinVar:

NM_000256.3(MYBPC3):c.1411G>C (p.Val471Leu)

Gene: MYBPC3 (myosin binding protein C3; minus strand). Cytogenetic location: 11p11.2.
Variant type: single nucleotide variant.
Coding change: c.1411G>C on transcript NM_000256.3 (MANE Select); coding-DNA position 1411, G replaced by C.
Protein change: p.Val471Leu; replaces valine 471 with leucine.
Molecular consequence: missense variant.
Genome position (GRCh38, 1-based): chr11:47,342,876, C>G on the plus strand (G>C on the coding strand, the complement: MYBPC3 is on the minus strand). VCF-style: chr11-47342876-C-G. GRCh37 (hg19) VCF-style: chr11-47364427-C-G.
Other names: short protein forms V471L.
Identifiers: ClinVar variation 921778 (VCV000921778.14), dbSNP rs1378189986, ClinGen allele CA380325965.

ClinVar aggregate classification (germline): Uncertain significance. Review status: criteria provided, multiple submitters, no conflicts (2 of 4 stars). 2 submissions from 2 submitters: Uncertain significance (2). Last evaluated 2023-12-05.

Conditions:
Hypertrophic cardiomyopathy. Also called: HYPERTROPHIC MYOCARDIOPATHY. Identifiers: Orphanet 217569, MedGen C0007194, MeSH D002312, MONDO:0005045, HP:0001639.
Cardiomyopathy (CMYO). Also called: Cardiomyopathies. Identifiers: Orphanet 167848, MedGen C0878544, MONDO:0004994, HP:0001638. Inheritance: Various modes of inheritance.

Submissions (2):

Color Diagnostics, LLC DBA Color Health
Classification: Uncertain significance for Cardiomyopathy. Last evaluated: 2023-12-05. Review status: criteria provided, single submitter. Criteria: ACMG Guidelines, 2015. Collection method: clinical testing. Allele origin: germline.
Comment: Variant of Uncertain Significance due to insufficient evidence: This missense variant is located in the Ig-like domain C3 of the MYBPC3 protein. Computational prediction tools and conservation analyses suggest that this variant may have deleterious impact on the protein function. Computational splicing tools suggest that this variant may not impact RNA splicing. To our knowledge, functional assays have not been performed for this variant nor has this variant been reported in individuals affected with cardiovascular disorders in the literature. This variant is rare in the general population and has been identified in 0/277264 chromosomes by the Genome Aggregation Database (gnomAD). Available evidence is insufficient to determine the pathogenicity of this variant conclusively.

Labcorp Genetics (formerly Invitae), Labcorp
Classification: Uncertain significance for Hypertrophic cardiomyopathy. Last evaluated: 2022-03-18. Review status: criteria provided, single submitter. Criteria: Invitae Variant Classification Sherloc (09022015). Collection method: clinical testing. Allele origin: germline.
Comment: This variant is not present in population databases (gnomAD no frequency). This sequence change replaces valine, which is neutral and non-polar, with leucine, which is neutral and non-polar, at codon 471 of the MYBPC3 protein (p.Val471Leu). This variant has not been reported in the literature in individuals affected with MYBPC3-related conditions. ClinVar contains an entry for this variant (Variation ID: 921778). Algorithms developed to predict the effect of missense changes on protein structure and function (SIFT, PolyPhen-2, Align-GVGD) all suggest that this variant is likely to be disruptive. In summary, the available evidence is currently insufficient to determine the role of this variant in disease. Therefore, it has been classified as a Variant of Uncertain Significance.